The following is an entry in ClinVar:

ClinVar aggregate classification (germline): Uncertain significance (1 of 4 stars; one submission).

Conditions:
Familial thoracic aortic aneurysm and aortic dissection (TAAD). Also called: Thoracic aortic aneurysms and dissections. Identifiers: Orphanet 91387, MedGen C4707243, MONDO:0019625.

Submission:

Ambry Genetics
Classification: Uncertain significance for Familial thoracic aortic aneurysm and aortic dissection. Last evaluated: 2026-08-29. Review status: criteria provided, single submitter. Criteria: Ambry Variant Classification Scheme 2023. Collection method: clinical testing. Allele origin: germline.
Comment: The p.T250I variant (also known as c.749C>T), located in coding exon 5 of the NOTCH1 gene, results from a C to T substitution at nucleotide position 749. The threonine at codon 250 is replaced by isoleucine, an amino acid with similar properties. This amino acid position is conserved. In addition, this alteration is predicted to be tolerated by in silico analysis. Based on the available evidence, the clinical significance of this variant remains unclear.

NM_017617.5(NOTCH1):c.749C>T (p.Thr250Ile)

Gene: NOTCH1 (notch receptor 1; minus strand). Cytogenetic location: 9q34.3.
Variant type: single nucleotide variant.
Coding change: c.749C>T on transcript NM_017617.5 (MANE Select); coding-DNA position 749, C replaced by T.
Protein change: p.Thr250Ile; replaces threonine 250 with isoleucine.
Molecular consequence: missense variant.
Genome position (GRCh38, 1-based): chr9:136,519,559, G>A on the plus strand (C>T on the coding strand, the complement: NOTCH1 is on the minus strand). VCF-style: chr9-136519559-G-A. GRCh37 (hg19) VCF-style: chr9-139414011-G-A.
Other names: short protein forms T250I.
Identifiers: ClinVar variation 5025814 (VCV005025814.1).